The following is an entry in ClinVar:

NM_000038.6(APC):c.220+1del

Gene: APC (APC regulator of Wnt signaling pathway; plus strand). Cytogenetic location: 5q22.2.
Variant type: Deletion.
Coding change: c.220+1del on transcript NM_000038.6 (MANE Select); the canonical splice donor site of the intron after coding-DNA position 220, one base deleted (G; older notation c.220+1delG).
Molecular consequence: splice donor variant.
Genome position (GRCh38, 1-based): chr5:112,766,411, G deleted; the last of 2 consecutive G bases (chr5:112,766,410-112,766,411); deleting either gives the same sequence. VCF-style (leftmost placement, unchanged base first): chr5-112766409-AG-A. GRCh37 (hg19) VCF-style: chr5-112102106-AG-A.
Other names: c.-816+1del (NM_001407470.1, NM_001407472.1, NM_001354906.2 and 1 more transcripts); c.220+1del (NM_001407447.1, NM_001354895.2, NM_001407456.1 and 16 more transcripts); c.250+1del (NM_001407446.1, NM_001354897.2, NM_001354902.2 and 1 more transcripts); c.43+1del (NM_001407453.1, NM_001354900.2, NM_001354901.2 and 1 more transcripts); c.145+1del (NM_001407451.1, NM_001354898.2, NM_001354904.2).
Identifiers: ClinVar variation 2431270 (VCV002431270.2), dbSNP rs2532275583, ClinGen allele CA2580072266.

ClinVar aggregate classification (germline): Likely pathogenic (1 of 4 stars; one submission).

Conditions:
Familial adenomatous polyposis 1 (FAP1). Also called: FAMILIAL ADENOMATOUS POLYPOSIS 1, ATTENUATED; POLYPOSIS, ADENOMATOUS INTESTINAL. Identifiers: MedGen C2713442, MONDO:0021056, OMIM 175100. Disease mechanism: loss of function.

Submission:

Myriad Genetics, Inc.
Classification: Likely pathogenic for Familial adenomatous polyposis 1. Last evaluated: 2023-01-09. Review status: criteria provided, single submitter. Criteria: Myriad Autosomal Dominant, Autosomal Recessive and X-Linked Classification Criteria (2023). Collection method: clinical testing. Allele origin: unknown.
Comment: This variant is considered likely pathogenic. This variant occurs within a consensus splice junction and is predicted to result in abnormal mRNA splicing of either an out-of-frame exon or an in-frame exon necessary for protein stability and/or normal function.